The following is an entry in ClinVar:

NM_004985.5(KRAS):c.172A>G (p.Thr58Ala)

Gene: KRAS (KRas proto-oncogene, GTPase; minus strand). Cytogenetic location: 12p12.1.
Variant type: single nucleotide variant.
Coding change: c.172A>G on transcript NM_004985.5 (MANE Select); coding-DNA position 172, A replaced by G.
Protein change: p.Thr58Ala; replaces threonine 58 with alanine.
Molecular consequence: missense variant.
Genome position (GRCh38, 1-based): chr12:25,227,352, T>C on the plus strand (A>G on the coding strand, the complement: KRAS is on the minus strand). VCF-style: chr12-25227352-T-C. GRCh37 (hg19) VCF-style: chr12-25380286-T-C.
Other names: c.172A>G, p.Thr58Ala (NM_001369786.1, NM_001369787.1, NM_033360.4); short protein forms T58A.
Identifiers: ClinVar variation 4996252 (VCV004996252.1).

ClinVar aggregate classification (germline): Uncertain significance (1 of 4 stars; one submission).

Conditions:
KRAS-related disorder. Also called: KRAS-related condition; KRAS-related disorders.

Submission:

PreventionGenetics, part of Exact Sciences
Classification: Uncertain significance for KRAS-related condition. Last evaluated: 2025-10-02. Review status: criteria provided, single submitter. Criteria: ACMG Guidelines, 2015. Collection method: clinical testing. Allele origin: germline.
Comment: The KRAS c.172A>G variant is predicted to result in the amino acid substitution p.Thr58Ala. To our knowledge, this variant has not been reported in the literature or in a large population database (gnomAD), indicating this variant is rare. An alternate missense change at the same amino acid position (p.Thr58Ile) has been reported to be pathogenic by the ClinGen RASopathy Variant Curation Expert Panel in ClinVar (ClinVar ID:12588). Although we suspect that this variant may be pathogenic, at this time, the clinical significance of this variant is uncertain due to the absence of conclusive functional and genetic evidence.